The following is an entry in ClinVar:

ClinVar aggregate classification (germline): Benign (1 of 4 stars; one submission).

Allele frequency attached by ClinVar (database versions not stated): 1000 Genomes Project 0.37919; 1000 Genomes Project 30x 0.37992; TOPMed 0.45035; gnomAD 0.47709.

Submission:

GeneDx
Classification: Benign. Last evaluated: 2018-06-14. Review status: criteria provided, single submitter. Criteria: GeneDx Variant Classification (06012015). Collection method: clinical testing. Allele origin: germline. Affected: yes.
Comment: This variant is considered likely benign or benign based on one or more of the following criteria: it is a conservative change, it occurs at a poorly conserved position in the protein, it is predicted to be benign by multiple in silico algorithms, and/or has population frequency not consistent with disease.

NM_032578.4(MYPN):c.2703+178G>T

Gene: MYPN (myopalladin; plus strand). Cytogenetic location: 10q21.3.
Variant type: single nucleotide variant.
Coding change: c.2703+178G>T on transcript NM_032578.4 (MANE Select); 178 bases into the intron after coding-DNA position 2703, G replaced by T.
Molecular consequence: intron variant.
Genome position (GRCh38, 1-based): chr10:68,175,639, G>T. VCF-style: chr10-68175639-G-T. GRCh37 (hg19) VCF-style: chr10-69935396-G-T.
Other names: c.2703+178G>T (NM_001256267.2); c.1821+178G>T (NM_001256268.2).
Identifiers: ClinVar variation 672837 (VCV000672837.1), dbSNP rs10823149, ClinGen allele CA13245729.